The following is an entry in ClinVar:

NM_000553.6(WRN):c.3195del (p.Asn1066fs)

Gene: WRN (WRN RecQ like helicase; plus strand). Cytogenetic location: 8p12.
Variant type: Deletion.
Coding change: c.3195del on transcript NM_000553.6 (MANE Select); coding-DNA position 3195, one base deleted (T; older notation c.3195delT).
Protein change: p.Asn1066fs; shifts the reading frame from asparagine 1066.
Molecular consequence: frameshift variant.
Genome position (GRCh38, 1-based): chr8:31,141,737, T deleted. VCF-style (leftmost placement, unchanged base first): chr8-31141736-CT-C. GRCh37 (hg19) VCF-style: chr8-30999252-CT-C.
Other names: short protein forms N1066fs.
Identifiers: ClinVar variation 944191 (VCV000944191.6), dbSNP rs1802645000, ClinGen allele CA1139660432.

ClinVar aggregate classification (germline): Pathogenic (1 of 4 stars; one submission).

Conditions:
Werner syndrome (WRN). Identifiers: Orphanet 902, MedGen C0043119, MONDO:0010196, OMIM 277700.

Submission:

Labcorp Genetics (formerly Invitae), Labcorp
Classification: Pathogenic for Werner syndrome. Last evaluated: 2019-07-08. Review status: criteria provided, single submitter. Criteria: Invitae Variant Classification Sherloc (09022015). Collection method: clinical testing. Allele origin: germline.
Comment: This sequence change creates a premature translational stop signal (p.Asn1066Metfs*33) in the WRN gene. It is expected to result in an absent or disrupted protein product. This variant is not present in population databases (ExAC no frequency). This variant has not been reported in the literature in individuals with WRN-related conditions. Loss-of-function variants in WRN are known to be pathogenic (PMID: 16673358). For these reasons, this variant has been classified as Pathogenic.

Literature cited by the submitters: PubMed 16673358.